The following is an entry in ClinVar:

ClinVar aggregate classification (germline): Uncertain significance (1 of 4 stars; one submission).

Conditions:
Dilated cardiomyopathy 1O (CMD1O). Also called: CARDIOMYOPATHY, DILATED, WITH VENTRICULAR TACHYCARDIA. Identifiers: Orphanet 154, MedGen C1837839, MONDO:0012062, OMIM 608569.

Submission:

Labcorp Genetics (formerly Invitae), Labcorp
Classification: Uncertain significance for Dilated cardiomyopathy 1O. Last evaluated: 2025-12-20. Review status: criteria provided, single submitter. Criteria: Invitae Variant Classification Sherloc (09022015). Collection method: clinical testing. Allele origin: germline.
Comment: This sequence change replaces glycine, which is neutral and non-polar, with glutamic acid, which is acidic and polar, at codon 710 of the ABCC9 protein (p.Gly710Glu). This variant is not present in population databases (gnomAD no frequency). This variant has not been reported in the literature in individuals affected with ABCC9-related conditions. Invitae Evidence Modeling of protein sequence and biophysical properties (such as structural, functional, and spatial information, amino acid conservation, physicochemical variation, residue mobility, and thermodynamic stability) indicates that this missense variant is expected to disrupt ABCC9 protein function with a positive predictive value of 80%. In summary, the available evidence is currently insufficient to determine the role of this variant in disease. Therefore, it has been classified as a Variant of Uncertain Significance.

NM_020297.4(ABCC9):c.2129G>A (p.Gly710Glu)

Gene: ABCC9 (ATP binding cassette subfamily C member 9; minus strand). Cytogenetic location: 12p12.1.
Variant type: single nucleotide variant.
Coding change: c.2129G>A on transcript NM_020297.4 (MANE Select); coding-DNA position 2129, G replaced by A.
Protein change: p.Gly710Glu; replaces glycine 710 with glutamic acid.
Molecular consequence: missense variant.
Genome position (GRCh38, 1-based): chr12:21,872,694, C>T on the plus strand (G>A on the coding strand, the complement: ABCC9 is on the minus strand). VCF-style: chr12-21872694-C-T. GRCh37 (hg19) VCF-style: chr12-22025628-C-T.
Other names: c.2129G>A, p.Gly710Glu (NM_001377273.1, NM_005691.4); c.1265G>A, p.Gly422Glu (NM_001377274.1); short protein forms G710E, G422E.
Identifiers: ClinVar variation 4745809 (VCV004745809.1).
Genomic context (GRCh38, chr12:21,872,694, plus strand): 5'-TGAACTTTTCCTTCCAATGTCTGCATCTCACCGAGGATGGCAAGGAGAAGAGAGGACTTC[C>T]CACATCCTACTTGGCCCACAATCATGGTTAACTGACCTAGGAAAGCAAAACAAAGGATAA-3'
Protein context (NP_064693.2, residues 700-720): LTMIVGQVGC[Gly710Glu]KSSLLLAILG